The following is an entry in ClinVar:

ClinVar aggregate classification (germline): Uncertain significance (1 of 4 stars; one submission).

Submission:

Labcorp Genetics (formerly Invitae), Labcorp
Classification: Uncertain significance. Last evaluated: 2024-10-23. Review status: criteria provided, single submitter. Criteria: Invitae Variant Classification Sherloc (09022015). Collection method: clinical testing. Allele origin: germline.
Comment: This sequence change replaces aspartic acid, which is acidic and polar, with histidine, which is basic and polar, at codon 441 of the NEXMIF protein (p.Asp441His). This variant is not present in population databases (gnomAD no frequency). This variant has not been reported in the literature in individuals affected with NEXMIF-related conditions. ClinVar contains an entry for this variant (Variation ID: 1996773). An algorithm developed to predict the effect of missense changes on protein structure and function (PolyPhen-2) suggests that this variant is likely to be disruptive. In summary, the available evidence is currently insufficient to determine the role of this variant in disease. Therefore, it has been classified as a Variant of Uncertain Significance.

NM_001008537.3(NEXMIF):c.1321G>C (p.Asp441His)

Gene: NEXMIF (neurite extension and migration factor; minus strand). Cytogenetic location: Xq13.3.
Variant type: single nucleotide variant.
Coding change: c.1321G>C on transcript NM_001008537.3 (MANE Select); coding-DNA position 1321, G replaced by C.
Protein change: p.Asp441His; replaces aspartic acid 441 with histidine.
Molecular consequence: missense variant.
Genome position (GRCh38, 1-based): chrX:74,743,236, C>G on the plus strand (G>C on the coding strand, the complement: NEXMIF is on the minus strand). VCF-style: chrX-74743236-C-G. GRCh37 (hg19) VCF-style: chrX-73963071-C-G.
Other names: short protein forms D441H.
Identifiers: ClinVar variation 1996773 (VCV001996773.4), dbSNP rs764458525, ClinGen allele CA413670778.
Genomic context (GRCh38, chrX:74,743,236, plus strand): 5'-GACTACAGTCCTTGATCTCACCCATAGCATCATATGAGATCTCAATGAAGGAACTATCAT[C>G]ACTGAAACTCCCTGATGTCTCCAGGGAATTAGCAAGATGGCCCTGCTTTGGATTCTTAAG-3'
Protein context (NP_001008537.1, residues 431-451): NSLETSGSFS[Asp441His]DSSFIEISYD